The following is an entry in ClinVar:

NM_001572.5(IRF7):c.799G>A (p.Ala267Thr)

Gene: IRF7 (interferon regulatory factor 7; minus strand). Cytogenetic location: 11p15.5.
Variant type: single nucleotide variant.
Coding change: c.799G>A on transcript NM_001572.5 (MANE Select); coding-DNA position 799, G replaced by A.
Protein change: p.Ala267Thr; replaces alanine 267 with threonine.
Molecular consequence: missense variant.
Genome position (GRCh38, 1-based): chr11:613,833, C>T on the plus strand (G>A on the coding strand, the complement: IRF7 is on the minus strand). VCF-style: chr11-613833-C-T. GRCh37 (hg19) VCF-style: chr11-613833-C-T.
Other names: c.712G>A, p.Ala238Thr (NM_004029.4); c.838G>A, p.Ala280Thr (NM_004031.4); c.838G>A (NM_004031.2); short protein forms A238T, A267T, A280T.
Identifiers: ClinVar variation 3604410 (VCV003604410.3).

ClinVar aggregate classification (germline): Uncertain significance. Review status: criteria provided, multiple submitters, no conflicts (2 of 4 stars). 2 submissions from 2 submitters: Uncertain significance (2). Last evaluated 2025-03-11.

Conditions:
Immunodeficiency 39 (IMD39). Identifiers: Orphanet 574918, MedGen C4225358, MONDO:0014597, OMIM 616345.

Submissions (2):

Ambry Genetics
Classification: Uncertain significance. Last evaluated: 2025-03-11. Review status: criteria provided, single submitter. Criteria: Ambry Variant Classification Scheme 2023. Collection method: clinical testing. Allele origin: germline.

Labcorp Genetics (formerly Invitae), Labcorp
Classification: Uncertain significance for Immunodeficiency 39. Last evaluated: 2024-06-28. Review status: criteria provided, single submitter. Criteria: Invitae Variant Classification Sherloc (09022015). Collection method: clinical testing. Allele origin: germline.
Comment: This sequence change replaces alanine, which is neutral and non-polar, with threonine, which is neutral and polar, at codon 280 of the IRF7 protein (p.Ala280Thr). The frequency data for this variant in the population databases is considered unreliable, as metrics indicate poor data quality at this position in the gnomAD database. This variant has not been reported in the literature in individuals affected with IRF7-related conditions. Advanced modeling of protein sequence and biophysical properties (such as structural, functional, and spatial information, amino acid conservation, physicochemical variation, residue mobility, and thermodynamic stability) performed at Invitae indicates that this missense variant is not expected to disrupt IRF7 protein function with a negative predictive value of 80%. In summary, the available evidence is currently insufficient to determine the role of this variant in disease. Therefore, it has been classified as a Variant of Uncertain Significance.